The following is an entry in ClinVar:

ClinVar aggregate classification (germline): Pathogenic (1 of 4 stars; one submission).

Conditions:
DICER1-related tumor predisposition. Also called: DICER1 syndrome; DICER1-related pleuropulmonary blastoma cancer predisposition syndrome. Identifiers: Orphanet 284343, MedGen C3839822, MONDO:0100216.

Submission:

Labcorp Genetics (formerly Invitae), Labcorp
Classification: Pathogenic for DICER1-related tumor predisposition. Last evaluated: 2020-07-19. Review status: criteria provided, single submitter. Criteria: Invitae Variant Classification Sherloc (09022015). Collection method: clinical testing. Allele origin: germline.
Comment: For these reasons, this variant has been classified as Pathogenic. Loss-of-function variants in DICER1 are known to be pathogenic (PMID: 19556464, 21266384). This variant has not been reported in the literature in individuals with DICER1-related conditions. This variant is not present in population databases (ExAC no frequency). This sequence change creates a premature translational stop signal (p.Lys213Asnfs*14) in the DICER1 gene. It is expected to result in an absent or disrupted protein product.

Literature cited by the submitters: PubMed 19556464; PubMed 21266384.

NM_177438.3(DICER1):c.636del (p.Lys213fs)

Gene: DICER1 (dicer 1, ribonuclease III; minus strand). Cytogenetic location: 14q32.13.
Variant type: Deletion.
Coding change: c.636del on transcript NM_177438.3 (MANE Select); coding-DNA position 636, one base deleted (G; older notation c.636delG).
Protein change: p.Lys213fs; shifts the reading frame from lysine 213.
Molecular consequence: frameshift variant.
Genome position (GRCh38, 1-based): chr14:95,129,570, C deleted on the plus strand (G on the coding strand, the reverse complement: DICER1 is on the minus strand); the first of 3 consecutive C bases (chr14:95,129,570-95,129,572); deleting any one gives the same sequence. VCF-style (leftmost placement, unchanged base first): chr14-95129569-TC-T. GRCh37 (hg19) VCF-style: chr14-95595906-TC-T.
Other names: c.636del, p.Lys213fs (NM_001195573.1, NM_001271282.3, NM_001291628.2 and 1 more transcripts); short protein forms K213fs.
Identifiers: ClinVar variation 1073895 (VCV001073895.8), dbSNP rs2140260882, ClinGen allele CA2499222828.